The following is an entry in ClinVar:

NM_003742.4(ABCB11):c.3011G>T (p.Gly1004Val)

Gene: ABCB11 (ATP binding cassette subfamily B member 11; minus strand). Cytogenetic location: 2q31.1.
Variant type: single nucleotide variant.
Coding change: c.3011G>T on transcript NM_003742.4 (MANE Select); coding-DNA position 3011, G replaced by T.
Protein change: p.Gly1004Val; replaces glycine 1004 with valine.
Molecular consequence: missense variant.
Genome position (GRCh38, 1-based): chr2:168,935,229, C>A on the plus strand (G>T on the coding strand, the complement: ABCB11 is on the minus strand). VCF-style: chr2-168935229-C-A. GRCh37 (hg19) VCF-style: chr2-169791739-C-A.
Other names: c.3011G>T (NM_003742.2); short protein forms G1004V.
Identifiers: ClinVar variation 4846006 (VCV004846006.2).

ClinVar aggregate classification (germline): Uncertain significance. Review status: criteria provided, multiple submitters, no conflicts (2 of 4 stars). 2 submissions from 2 submitters: Uncertain significance (2). Last evaluated 2026-04-14.

Conditions:
Familial intrahepatic cholestasis. Identifiers: Orphanet 284385, MedGen CN296401, MONDO:0017290.
ABCB11-related disorder. Also called: ABCB11-related condition.

gnomAD v4.1: 6 of 1,613,906 alleles (0.00037%); highest among the groups gnomAD compares: East Asian, 0.011%; no homozygotes.

Submissions (2):

Genomenon, Inc
Classification: Uncertain significance for Familial intrahepatic cholestasis. Last evaluated: 2026-04-14. Review status: criteria provided, single submitter. Criteria: Genomenon Sequence Variant Interpretation Standards - Updated. Collection method: curation. Allele origin: germline. Affected: yes.
Comment: ABCB11 p.Gly1004Val (c.3011G>T) is a missense variant that changes the amino acid at residue 1004 from Glycine to Valine. This variant has been observed in at least one proband with an ABCB11-related disorder (PMID:37168916). The presence of pathogenic or likely pathogenic missense variant(s) at the same amino acid position indicates that this residue is likely important for protein function. It is absent or not present at a significant frequency in gnomAD. In silico models predict that this variant is possibly or probably damaging. In conclusion, we classify ABCB11 p.Gly1004Val (c.3011G>T) as a variant of uncertain significance.

PreventionGenetics, part of Exact Sciences
Classification: Uncertain significance for ABCB11-related condition. Last evaluated: 2026-01-02. Review status: criteria provided, single submitter. Criteria: ACMG Guidelines, 2015. Collection method: clinical testing. Allele origin: germline.
Comment: The ABCB11 c.3011G>T variant is predicted to result in the amino acid substitution p.Gly1004Val. To our knowledge, this variant has not been reported in the literature or in a large population database (gnomAD), indicating this variant is rare. At this time, the clinical significance of this variant is uncertain due to the absence of conclusive functional and genetic evidence.

Literature cited by the submitters: PubMed 37168916 (cited by Genomenon, Inc).